The following is an entry in ClinVar:

ClinVar aggregate classification (germline): Uncertain significance (1 of 4 stars; one submission).

Conditions:
Severe combined immunodeficiency due to DNA-PKcs deficiency. Also called: IMMUNODEFICIENCY 26 WITH NEUROLOGIC ABNORMALITIES; Immunodeficiency 26 with or without neurologic abnormalities. Identifiers: Orphanet 317425, MedGen C4014833, MONDO:0014423, OMIM 615966.

Allele frequency attached by ClinVar (database versions not stated): ExAC 0.00001; gnomAD exomes 0.00001.
gnomAD v4.1: 4 of 1,613,686 alleles (0.00025%); highest among the groups gnomAD compares: Admixed American, 0.0033%; no homozygotes.

Submission:

Labcorp Genetics (formerly Invitae), Labcorp
Classification: Uncertain significance for Severe combined immunodeficiency due to DNA-PKcs deficiency. Last evaluated: 2024-02-03. Review status: criteria provided, single submitter. Criteria: Invitae Variant Classification Sherloc (09022015). Collection method: clinical testing. Allele origin: germline.
Comment: This sequence change replaces serine, which is neutral and polar, with glycine, which is neutral and non-polar, at codon 2034 of the PRKDC protein (p.Ser2034Gly). This variant is present in population databases (rs780356759, gnomAD 0.006%). This variant has not been reported in the literature in individuals affected with PRKDC-related conditions. ClinVar contains an entry for this variant (Variation ID: 1359080). Advanced modeling of protein sequence and biophysical properties (such as structural, functional, and spatial information, amino acid conservation, physicochemical variation, residue mobility, and thermodynamic stability) performed at Invitae indicates that this missense variant is expected to disrupt PRKDC protein function with a positive predictive value of 80%. In summary, the available evidence is currently insufficient to determine the role of this variant in disease. Therefore, it has been classified as a Variant of Uncertain Significance.

NM_006904.7(PRKDC):c.6100A>G (p.Ser2034Gly)

Gene: PRKDC (protein kinase, DNA-activated, catalytic subunit; minus strand). Cytogenetic location: 8q11.21.
Variant type: single nucleotide variant.
Coding change: c.6100A>G on transcript NM_006904.7 (MANE Select); coding-DNA position 6100, A replaced by G.
Protein change: p.Ser2034Gly; replaces serine 2034 with glycine.
Molecular consequence: missense variant.
Genome position (GRCh38, 1-based): chr8:47,859,718, T>C on the plus strand (A>G on the coding strand, the complement: PRKDC is on the minus strand). VCF-style: chr8-47859718-T-C. GRCh37 (hg19) VCF-style: chr8-48772279-T-C.
Other names: c.6100A>G, p.Ser2034Gly (NM_001081640.2); short protein forms S2034G.
Identifiers: ClinVar variation 1359080 (VCV001359080.5), dbSNP rs780356759, ClinGen allele CA4740470.